The following is an entry in ClinVar:

NM_004656.4(BAP1):c.1446G>A (p.Ser482=)

Gene: BAP1 (BRCA1 associated deubiquitinase 1; minus strand). Cytogenetic location: 3p21.1.
Variant type: single nucleotide variant.
Coding change: c.1446G>A on transcript NM_004656.4 (MANE Select); coding-DNA position 1446, G replaced by A.
Protein change: p.Ser482=; no amino-acid change (serine 482 retained).
Molecular consequence: synonymous variant.
Genome position (GRCh38, 1-based): chr3:52,403,699, C>T on the plus strand (G>A on the coding strand, the complement: BAP1 is on the minus strand). VCF-style: chr3-52403699-C-T. GRCh37 (hg19) VCF-style: chr3-52437715-C-T.
Other names: c.1446G>A (NM_004656.2).
Identifiers: ClinVar variation 1098948 (VCV001098948.13), dbSNP rs768062289, ClinGen allele CA2436798.

ClinVar aggregate classification (germline): Conflicting classifications of pathogenicity. Review status: criteria provided, conflicting classifications (1 of 4 stars). 4 submissions from 4 submitters: Uncertain significance (2); Benign (1); Likely benign (1). Last evaluated 2025-03-31.

Conditions:
Hereditary cancer-predisposing syndrome. Also called: Tumor predisposition; Hereditary neoplastic syndrome; Hereditary Cancer Syndrome; Neoplastic Syndromes, Hereditary. Identifiers: Orphanet 140162, MedGen C0027672, MeSH D009386, MONDO:0015356.
BAP1-related tumor predisposition syndrome (TPDS1). Also called: Tumor susceptibility linked to germline BAP1 mutations; COMMON Syndrome; TUMOR PREDISPOSITION SYNDROME 1; BAP1 tumor predisposition syndrome. Identifiers: Orphanet 289539, MedGen C3280492, MONDO:0013692, OMIM 614327.

Allele frequency attached by ClinVar (database versions not stated): gnomAD exomes below 0.00001; ExAC 0.00001; gnomAD 0.00001; TOPMed 0.00003.
gnomAD v4.1: 6 of 1,613,756 alleles (0.00037%); highest among the groups gnomAD compares: African/African-American, 0.0013%; no homozygotes.

Submissions (4):

Ambry Genetics
Classification: Uncertain significance for Hereditary cancer-predisposing syndrome. Last evaluated: 2025-03-31. Review status: criteria provided, single submitter. Criteria: Ambry Variant Classification Scheme 2023. Collection method: clinical testing. Allele origin: germline.
Comment: The c.1446G>A variant (also known as p.S482S), located in coding exon 13 of the BAP1 gene, results from a G to A substitution at nucleotide position 1446. This nucleotide substitution does not change the Serine at codon 482. This nucleotide position is not well conserved in available vertebrate species. In silico splice site analysis predicts that this alteration will result in the creation or strengthening of a novel splice acceptor site. RNA studies have demonstrated that this alteration results in an incomplete splicing impact, resulting in a transcript predicted to lead to a protein with an in-frame deletion of 72 amino acids; however, the exact functional impact of the deleted amino acids is unknown at this time (Ambry internal data). This alteration was functional in a high throughput genome editing haploid cell survival functional assay (Waters AJ et al. Nat Genet, 2024 Jul;56:1434-1445). Based on the available evidence, the clinical significance of this variant remains unclear.

Labcorp Genetics (formerly Invitae), Labcorp
Classification: Likely benign for BAP1-related tumor predisposition syndrome. Last evaluated: 2025-03-09. Review status: criteria provided, single submitter. Criteria: Invitae Variant Classification Sherloc (09022015). Collection method: clinical testing. Allele origin: germline.

Myriad Genetics, Inc.
Classification: Benign for BAP1-related tumor predisposition syndrome. Last evaluated: 2024-07-16. Review status: criteria provided, single submitter. Criteria: Myriad Autosomal Dominant, Autosomal Recessive and X-Linked Classification Criteria (2023). Collection method: clinical testing. Allele origin: unknown.
Comment: This variant is considered benign. This variant is a silent/synonymous amino acid change and it is not expected to impact splicing.

Color Diagnostics, LLC DBA Color Health
Classification: Uncertain significance for Hereditary cancer-predisposing syndrome. Last evaluated: 2023-10-16. Review status: criteria provided, single submitter. Criteria: ACMG Guidelines, 2015. Collection method: clinical testing. Allele origin: germline.
Comment: This variant is located in the BAP1 protein. To our knowledge, functional studies have not been reported for this variant. This variant has not been reported in individuals affected with BAP1-related disorders in the literature. This variant has been identified in 1/251076 chromosomes in the general population by the Genome Aggregation Database (gnomAD). The available evidence is insufficient to determine the role of this variant in disease conclusively. Therefore, this variant is classified as a Variant of Uncertain Significance.

Literature cited by the submitters: PubMed 38969833 (cited by Ambry Genetics).